The following is an entry in ClinVar:

NM_144666.3(DNHD1):c.522_525del (p.Arg174fs)

Gene: DNHD1 (dynein heavy chain domain 1; plus strand). Cytogenetic location: 11p15.4.
Variant type: Microsatellite.
Coding change: c.522_525del on transcript NM_144666.3 (MANE Select); coding-DNA positions 522 to 525, 4 bases deleted (GCAG; older notation c.522_525delGCAG).
Protein change: p.Arg174fs; shifts the reading frame from arginine 174.
Molecular consequence: frameshift variant.
Genome position (GRCh38, 1-based): chr11:6,498,737-6,498,740, GCAG deleted; deleting any 4 consecutive bases within chr11:6,498,733-6,498,740 gives the same sequence; the c. name uses the placement nearest the transcript's 3' end. VCF-style (leftmost placement, unchanged base first): chr11-6498732-AGCAG-A. GRCh37 (hg19) VCF-style: chr11-6519962-AGCAG-A.
Other names: c.522_525del, p.Arg174fs (NM_173589.4); short protein forms R174fs.
Identifiers: ClinVar variation 1334453 (VCV001334453.5), dbSNP rs756886777, ClinGen allele CA5855347.
Genomic context (GRCh38, chr11:6,498,732, plus strand): 5'-AAGCGGAGGCTCCATCACAGGCCCCCATGCCCAGCTTGCCCTTTTGTGCAGGCCCAGTGG[AGCAG>A]GCAGCAAGTAAAGGAGGAGCTGGCCACCTGGCTGCGACCATTGACACTGCCTGAGCTACA-3'

ClinVar aggregate classification (germline): Pathogenic/Likely pathogenic. Review status: criteria provided, multiple submitters, no conflicts (2 of 4 stars). 3 submissions from 3 submitters: Pathogenic (1); Likely pathogenic (1). 1 of the submissions does not count toward it. Last evaluated 2022-06-28.

Conditions:
Spermatogenic failure 65 (SPGF65). Identifiers: MedGen C5562067, MONDO:0030531, OMIM 619712.

Submissions (3):

Labcorp Genetics (formerly Invitae), Labcorp
Classification: Pathogenic. Last evaluated: 2022-06-28. Review status: criteria provided, single submitter. Criteria: Invitae Variant Classification Sherloc (09022015). Collection method: clinical testing. Allele origin: germline.
Comment: This sequence change creates a premature translational stop signal (p.Arg174Serfs*3) in the DNHD1 gene. It is expected to result in an absent or disrupted protein product. Loss-of-function variants in DNHD1 are known to be pathogenic (PMID: 34932939). This variant is present in population databases (rs756886777, gnomAD 0.03%). This premature translational stop signal has been observed in individual(s) with asthenoteratozoospermia (PMID: 34932939). For these reasons, this variant has been classified as Pathogenic.

Juno Genomics, Hangzhou Juno Genomics, Inc
Classification: Likely pathogenic for Spermatogenic failure 65. Review status: criteria provided, single submitter. Criteria: ACMG Guidelines, 2015. Collection method: clinical testing. Allele origin: germline.
Comment: Absent from controls (or at extremely low frequency if recessive) in Genome Aggregation Database.;Null variant in a gene where loss of function (LOF) is a known mechanism of disease.

OMIM
Classification: Pathogenic for SPERMATOGENIC FAILURE 65. Last evaluated: 2022-01-19. Review status: no assertion criteria provided. Collection method: literature only. Allele origin: germline. Not counted in ClinVar's aggregate classification.

Literature cited by the submitters: PubMed 34932939 (cited by Labcorp Genetics (formerly Invitae), Labcorp and OMIM).